The following is an entry in ClinVar:

NM_015662.1(IFT172):c.299delG

Gene: IFT172 (intraflagellar transport 172; minus strand). Cytogenetic location: 2p23.3.
Variant type: Deletion.
Coding change: c.299delG on transcript NM_015662.1; coding-DNA position 299, one base deleted (G).
Genome position (GRCh38, 1-based): chr2:27,484,264, C deleted on the plus strand (G on the coding strand, the reverse complement: IFT172 is on the minus strand); the first of 4 consecutive C bases (chr2:27,484,264-27,484,267); deleting any one gives the same sequence. VCF-style (leftmost placement, unchanged base first): chr2-27484263-AC-A. GRCh37 (hg19) VCF-style: chr2-27707130-AC-A.
Identifiers: ClinVar variation 2286749 (VCV002286749.1), dbSNP rs2466031344, ClinGen allele CA2576933377.

ClinVar aggregate classification (germline): Pathogenic (1 of 4 stars; one submission).

Conditions:
Inborn genetic diseases. Identifiers: MedGen C0950123, MeSH D030342.

Submission:

Ambry Genetics
Classification: Pathogenic for Inborn genetic diseases. Last evaluated: 2022-06-02. Review status: criteria provided, single submitter. Criteria: Ambry General Variant Classification Scheme_2022. Collection method: clinical testing. Allele origin: germline. Observed: 1 variant allele.
Comment: The c.299delG (p.G100Vfs*38) alteration, located in exon 4 (coding exon 4) of the IFT172 gene, consists of a deletion of one nucleotide at position 299, causing a translational frameshift with a predicted alternate stop codon after 38 amino acids. This alteration is expected to result in loss of function by premature protein truncation or nonsense-mediated mRNA decay. This variant was not reported in population-based cohorts in the Genome Aggregation Database (gnomAD). Based on the available evidence, this alteration is classified as pathogenic.